The following is an entry in ClinVar:

NM_001211.6(BUB1B):c.3124A>T (p.Thr1042Ser)

Genes: BUB1B-PAK6 (BUB1B-PAK6 readthrough; plus strand), BUB1B (BUB1 mitotic checkpoint serine/threonine kinase B; plus strand). Cytogenetic location: 15q15.1.
Variant type: single nucleotide variant.
Coding change: c.3124A>T on transcript NM_001211.6 (MANE Select); coding-DNA position 3124, A replaced by T.
Protein change: p.Thr1042Ser; replaces threonine 1042 with serine.
Molecular consequence: missense variant. On other transcripts: intron variant (2).
Genome position (GRCh38, 1-based): chr15:40,220,730, A>T. VCF-style: chr15-40220730-A-T. GRCh37 (hg19) VCF-style: chr15-40512931-A-T.
Other names: c.-201+3063A>T (NM_001128628.3); c.-118+3063A>T (NM_001128629.3); short protein forms T1042S.
Identifiers: ClinVar variation 3262215 (VCV003262215.1).
Genomic context (GRCh38, chr15:40,220,730, plus strand): 5'-GTTTTTGACACTACATTCCAAAGTCACCTGAACAAAGCCTTATGGAAGGTAGGGAAGTTA[A>T]CTAGTCCTGGGGCTTTGCTCTTTCAGTGAGCTAGGCAATCAAGTCTCACAGATTGCTGCC-3'
Protein context (NP_001202.5, residues 1032-1050): NKALWKVGKL[Thr1042Ser]SPGALLFQ

ClinVar aggregate classification (germline): Uncertain significance (1 of 4 stars; one submission).

Conditions:
Inborn genetic diseases. Identifiers: MedGen C0950123, MeSH D030342.

Submission:

Ambry Genetics
Classification: Uncertain significance for Inborn genetic diseases. Last evaluated: 2024-03-16. Review status: criteria provided, single submitter. Criteria: Ambry Variant Classification Scheme 2023. Collection method: clinical testing. Allele origin: germline.
Comment: The p.T1042S variant (also known as c.3124A>T), located in coding exon 23 of the BUB1B gene, results from an A to T substitution at nucleotide position 3124. The threonine at codon 1042 is replaced by serine, an amino acid with similar properties. This amino acid position is conserved. In addition, this alteration is predicted to be tolerated by in silico analysis. Based on the available evidence, the clinical significance of this alteration remains unclear.